The following is an entry in ClinVar:

ClinVar aggregate classification (germline): Uncertain significance. Review status: criteria provided, multiple submitters, no conflicts (2 of 4 stars). 2 submissions from 2 submitters: Uncertain significance (2). Last evaluated 2022-12-27.

Conditions:
Hypotonia, infantile, with psychomotor retardation and characteristic facies 2 (IHPRF2). Also called: UNC80 Deficiency. Identifiers: Orphanet 371364, Orphanet 700333, MedGen C4225203, MONDO:0014777, OMIM 616801.
Inborn genetic diseases. Identifiers: MedGen C0950123, MeSH D030342.

Allele frequency attached by ClinVar (database versions not stated): gnomAD exomes 0.00001; TOPMed 0.00001.
gnomAD v4.1: 20 of 1,551,470 alleles (0.0013%); highest among the groups gnomAD compares: Non-Finnish European, 0.0017%; no homozygotes.

Submissions (2):

Ambry Genetics
Classification: Uncertain significance for Inborn genetic diseases. Last evaluated: 2022-12-27. Review status: criteria provided, single submitter. Criteria: Ambry Variant Classification Scheme 2023. Collection method: clinical testing. Allele origin: germline.

Baylor Genetics
Classification: Uncertain significance for Hypotonia, infantile, with psychomotor retardation and characteristic facies 2. Last evaluated: 2018-11-29. Review status: criteria provided, single submitter. Criteria: ACMG Guidelines, 2015. Collection method: clinical testing. Allele origin: maternal. Affected: yes.
Comment: This variant was determined to be of uncertain significance according to ACMG Guidelines, 2015 [PMID:25741868].

NM_001371986.1(UNC80):c.1544C>A (p.Thr515Asn)

Gene: UNC80 (unc-80 subunit of NALCN channel complex; plus strand). Cytogenetic location: 2q34.
Variant type: single nucleotide variant.
Coding change: c.1544C>A on transcript NM_001371986.1 (MANE Select); coding-DNA position 1544, C replaced by A.
Protein change: p.Thr515Asn; replaces threonine 515 with asparagine.
Molecular consequence: missense variant.
Genome position (GRCh38, 1-based): chr2:209,817,117, C>A. VCF-style: chr2-209817117-C-A. GRCh37 (hg19) VCF-style: chr2-210681841-C-A.
Other names: c.1544C>A, p.Thr515Asn (NM_032504.2, NM_182587.4); short protein forms T515N.
Identifiers: ClinVar variation 1031500 (VCV001031500.3), dbSNP rs923794332, ClinGen allele CA64666559.